The following is an entry in ClinVar:

ClinVar aggregate classification (germline): Uncertain significance. Review status: criteria provided, multiple submitters, no conflicts (2 of 4 stars). 3 submissions from 3 submitters: Uncertain significance (3). Last evaluated 2025-05-01.

Conditions:
Inborn genetic diseases. Identifiers: MedGen C0950123, MeSH D030342.
Cowden syndrome (CS). Also called: Cowden's disease; Cowden's syndrome; Cowden disease. Identifiers: Orphanet 201, MedGen C0018553, MONDO:0016063. Disease mechanism: gain of function.

Allele frequency attached by ClinVar (database versions not stated): gnomAD exomes below 0.00001 and 0.00001; ExAC 0.00001; TOPMed 0.00002; gnomAD 0.00003.
gnomAD v4.1: 6 of 1,613,926 alleles (0.00037%); highest among the groups gnomAD compares: African/African-American, 0.0053%; no homozygotes.

Submissions (3):

CeGaT Center for Human Genetics Tuebingen
Classification: Uncertain significance. Last evaluated: 2025-05-01. Review status: criteria provided, single submitter. Criteria: CeGaT Center For Human Genetics Tuebingen Variant Classification Criteria Version 2. Collection method: clinical testing. Allele origin: germline. Affected: yes. Observed: 1 variant allele.

Labcorp Genetics (formerly Invitae), Labcorp
Classification: Uncertain significance for Cowden syndrome. Last evaluated: 2024-06-25. Review status: criteria provided, single submitter. Criteria: Invitae Variant Classification Sherloc (09022015). Collection method: clinical testing. Allele origin: germline.
Comment: This sequence change replaces serine, which is neutral and polar, with threonine, which is neutral and polar, at codon 501 of the PIK3CA protein (p.Ser501Thr). This variant is present in population databases (rs751557352, gnomAD 0.008%). This variant has not been reported in the literature in individuals affected with PIK3CA-related conditions. ClinVar contains an entry for this variant (Variation ID: 864310). Advanced modeling of protein sequence and biophysical properties (such as structural, functional, and spatial information, amino acid conservation, physicochemical variation, residue mobility, and thermodynamic stability) has been performed at Invitae for this missense variant, however the output from this modeling did not meet the statistical confidence thresholds required to predict the impact of this variant on PIK3CA protein function. In summary, the available evidence is currently insufficient to determine the role of this variant in disease. Therefore, it has been classified as a Variant of Uncertain Significance.

Ambry Genetics
Classification: Uncertain significance for Inborn genetic diseases. Last evaluated: 2022-04-07. Review status: criteria provided, single submitter. Criteria: Ambry Variant Classification Scheme 2023. Collection method: clinical testing. Allele origin: germline.
Comment: The p.S501T variant (also known as c.1501T>A), located in coding exon 8 of the PIK3CA gene, results from a T to A substitution at nucleotide position 1501. The serine at codon 501 is replaced by threonine, an amino acid with similar properties. This amino acid position is conserved. In addition, this alteration is predicted to be tolerated by in silico analysis. Since supporting evidence is limited at this time, the clinical significance of this alteration remains unclear.

NM_006218.4(PIK3CA):c.1501T>A (p.Ser501Thr)

Gene: PIK3CA (phosphatidylinositol-4,5-bisphosphate 3-kinase catalytic subunit alpha; plus strand). Cytogenetic location: 3q26.32.
Variant type: single nucleotide variant.
Coding change: c.1501T>A on transcript NM_006218.4 (MANE Select); coding-DNA position 1501, T replaced by A.
Protein change: p.Ser501Thr; replaces serine 501 with threonine.
Molecular consequence: missense variant.
Genome position (GRCh38, 1-based): chr3:179,210,527, T>A. VCF-style: chr3-179210527-T-A. GRCh37 (hg19) VCF-style: chr3-178928315-T-A.
Other names: short protein forms S501T.
Identifiers: ClinVar variation 864310 (VCV000864310.22), dbSNP rs751557352, ClinGen allele CA2710734.
Genomic context (GRCh38, chr3:179,210,527, plus strand): 5'-AGCAGTGTGGTAAAGTTCCCAGATATGTCAGTGATTGAAGAGCATGCCAATTGGTCTGTA[T>A]CCCGAGAAGCAGGATTTAGCTATTCCCACGCAGGACTGGTAAGGCAAATCACTGAGTTTA-3'
Protein context (NP_006209.2, residues 491-511): VIEEHANWSV[Ser501Thr]REAGFSYSHA